The following is an entry in ClinVar:

ClinVar aggregate classification (germline): Uncertain significance (1 of 4 stars; one submission).

Conditions:
Cowden syndrome (CS). Also called: Cowden's disease; Cowden's syndrome; Cowden disease. Identifiers: Orphanet 201, MedGen C0018553, MONDO:0016063. Disease mechanism: gain of function.

Submission:

Labcorp Genetics (formerly Invitae), Labcorp
Classification: Uncertain significance for Cowden syndrome. Last evaluated: 2020-03-01. Review status: criteria provided, single submitter. Criteria: Invitae Variant Classification Sherloc (09022015). Collection method: clinical testing. Allele origin: germline.
Comment: In summary, the available evidence is currently insufficient to determine the role of this variant in disease. Therefore, it has been classified as a Variant of Uncertain Significance. Algorithms developed to predict the effect of sequence changes on RNA splicing suggest that this variant may create or strengthen a splice site, but this prediction has not been confirmed by published transcriptional studies. Algorithms developed to predict the effect of missense changes on protein structure and function (SIFT, PolyPhen-2, Align-GVGD) all suggest that this variant is likely to be tolerated, but these predictions have not been confirmed by published functional studies and their clinical significance is uncertain. This variant has not been reported in the literature in individuals with PIK3CA-related conditions. This variant is not present in population databases (ExAC no frequency). This sequence change replaces lysine with arginine at codon 204 of the PIK3CA protein (p.Lys204Arg). The lysine residue is highly conserved and there is a small physicochemical difference between lysine and arginine.

NM_006218.4(PIK3CA):c.611A>G (p.Lys204Arg)

Gene: PIK3CA (phosphatidylinositol-4,5-bisphosphate 3-kinase catalytic subunit alpha; plus strand). Cytogenetic location: 3q26.32.
Variant type: single nucleotide variant.
Coding change: c.611A>G on transcript NM_006218.4 (MANE Select); coding-DNA position 611, A replaced by G.
Protein change: p.Lys204Arg; replaces lysine 204 with arginine.
Molecular consequence: missense variant.
Genome position (GRCh38, 1-based): chr3:179,201,338, A>G. VCF-style: chr3-179201338-A-G. GRCh37 (hg19) VCF-style: chr3-178919126-A-G.
Other names: short protein forms K204R.
Identifiers: ClinVar variation 1000854 (VCV001000854.9), dbSNP rs1724404532, ClinGen allele CA355276214.